The following is an entry in ClinVar:

ClinVar aggregate classification (germline): Benign/Likely benign. Review status: criteria provided, multiple submitters, no conflicts (2 of 4 stars). 7 submissions from 7 submitters: Benign (1); Likely benign (5). 1 of the submissions does not count toward it. Last evaluated 2026-01-25.

Conditions:
Charcot-Marie-Tooth disease. Also called: Charcot-Marie-Tooth Neuropathy; Charcot-Marie-Tooth Hereditary Neuropathy. Identifiers: Orphanet 166, MedGen C0007959, MONDO:0015626.
LRSAM1-related disorder. Also called: LRSAM1-related condition.
Charcot-Marie-Tooth disease axonal type 2P. Also called: CHARCOT-MARIE-TOOTH NEUROPATHY, TYPE 2P; Charcot-Marie-Tooth Neuropathy Type 2G; CHARCOT-MARIE-TOOTH DISEASE, AXONAL, TYPE 2G; CMT 2G. Identifiers: Orphanet 300319, Orphanet 99941, MedGen C3280797, MONDO:0013753, OMIM 614436.

Allele frequency attached by ClinVar (database versions not stated): TOPMed 0.00008; gnomAD 0.00011 and 0.00012; ESP Exome Variant Server 0.00015; gnomAD exomes 0.00016 and 0.00025; ExAC 0.00026.
gnomAD v4.1: 249 of 1,613,966 alleles (0.015%); highest among the groups gnomAD compares: South Asian, 0.097%; 1 homozygote.

Submissions (7):

Labcorp Genetics (formerly Invitae), Labcorp
Classification: Benign for Charcot-Marie-Tooth disease axonal type 2P. Last evaluated: 2026-01-25. Review status: criteria provided, single submitter. Criteria: Invitae Variant Classification Sherloc (09022015). Collection method: clinical testing. Allele origin: germline.

Laboratory of Genetics, Children's Clinical University Hospital Latvia
Classification: Likely benign. Last evaluated: 2025-02-16. Review status: criteria provided, single submitter. Criteria: ACMG Guidelines, 2015. Collection method: clinical testing. Allele origin: germline. Affected: yes.

Blueprint Genetics
Classification: Likely benign. Last evaluated: 2024-10-16. Review status: criteria provided, single submitter. Criteria: ACMG Guidelines, 2015. Collection method: clinical testing. Allele origin: germline.

GeneDx
Classification: Likely benign. Last evaluated: 2020-06-23. Review status: criteria provided, single submitter. Criteria: GeneDx Variant Classification Process June 2021. Collection method: clinical testing. Allele origin: germline. Affected: yes.

Illumina Laboratory Services, Illumina
Classification: Likely benign for Charcot-Marie-Tooth disease axonal type 2P. Last evaluated: 2018-01-12. Review status: criteria provided, single submitter. Criteria: ICSL Variant Classification Criteria 13 December 2019. Collection method: clinical testing. Allele origin: germline.
Comment: This variant was observed in the ICSL laboratory as part of a predisposition screen in an ostensibly healthy population. It had not been previously curated by ICSL or reported in the Human Gene Mutation Database (HGMD: prior to June 1st, 2018), and was therefore a candidate for classification through an automated scoring system. Utilizing variant allele frequency, disease prevalence and penetrance estimates, and inheritance mode, an automated score was calculated to assess if this variant is too frequent to cause the disease. Based on the score and internal cut-off values, a variant classified as likely benign is not then subjected to further curation. The score for this variant resulted in a classification of likely benign for this disease.

Molecular Genetics Laboratory, London Health Sciences Centre
Classification: Likely benign for Charcot-Marie-Tooth disease. Review status: criteria provided, single submitter. Criteria: ACMG Guidelines, 2015. Collection method: clinical testing. Allele origin: germline. Affected: yes.

PreventionGenetics, part of Exact Sciences
Classification: Likely benign for LRSAM1-related condition. Last evaluated: 2019-06-25. Review status: no assertion criteria provided. Collection method: clinical testing. Allele origin: germline. Not counted in ClinVar's aggregate classification.
Comment: This variant is classified as likely benign based on ACMG/AMP sequence variant interpretation guidelines (Richards et al. 2015 PMID: 25741868, with internal and published modifications).

NM_001005373.4(LRSAM1):c.751-8C>G

Gene: LRSAM1 (leucine rich repeat and sterile alpha motif containing 1; plus strand). Cytogenetic location: 9q33.3.
Variant type: single nucleotide variant.
Coding change: c.751-8C>G on transcript NM_001005373.4 (MANE Select); 8 bases into the intron before coding-DNA position 751, C replaced by G.
Molecular consequence: intron variant.
Genome position (GRCh38, 1-based): chr9:127,478,926, C>G. VCF-style: chr9-127478926-C-G. GRCh37 (hg19) VCF-style: chr9-130241205-C-G.
Other names: c.751-8C>G (NM_138361.5, NM_001384142.1, NM_001384143.1 and 2 more transcripts); c.-34-13C>G (NM_001384144.1).
Identifiers: ClinVar variation 365018 (VCV000365018.23), dbSNP rs367823841, ClinGen allele CA5246693.